The following is an entry in ClinVar:

NM_007294.4(BRCA1):c.5333-10T>C

Gene: BRCA1 (BRCA1 DNA repair associated; minus strand). Cytogenetic location: 17q21.31.
Variant type: single nucleotide variant.
Coding change: c.5333-10T>C on transcript NM_007294.4 (MANE Select); 10 bases into the intron before coding-DNA position 5333, T replaced by C.
Molecular consequence: intron variant.
Genome position (GRCh38, 1-based): chr17:43,049,204, A>G on the plus strand (T>C on the coding strand, the complement: BRCA1 is on the minus strand). VCF-style: chr17-43049204-A-G. GRCh37 (hg19) VCF-style: chr17-41201221-A-G.
Other names: c.1880-10T>C (NM_001408458.1, NM_001408461.1, NM_001408464.1 and 7 more transcripts); c.4442-10T>C (NM_001407967.1); c.4952-10T>C (NM_001407959.1); c.5066-10T>C (NM_001407931.1, NM_001407932.1, NM_001407928.1 and 4 more transcripts); c.5189-10T>C (NM_001407747.1, NM_001407745.1, NM_001407737.1 and 18 more transcripts); c.4949-10T>C (NM_001407962.1, NM_001407960.1); c.1520-10T>C (NM_001408512.1); c.1643-10T>C (NM_001408510.1); and 84 more.
Identifiers: ClinVar variation 865346 (VCV000865346.3), dbSNP rs2051099313, ClinGen allele CA916080899.

Conditions:
Breast-ovarian cancer, familial, susceptibility to, 1 (BROVCA1). Also called: BRCA1 Hereditary Breast and Ovarian Cancer; OVARIAN CANCER, SUSCEPTIBILITY TO. Identifiers: Orphanet 145, MedGen C2676676, MONDO:0011450, OMIM 604370. Disease mechanism: loss of function.

Submission:

Brotman Baty Institute, University of Washington
No classification provided (evidence only). Condition: Breast-ovarian cancer, familial 1. Review status: no classification provided. Collection method: in vitro. Allele origin: not applicable. Functional consequence: functionally_normal.
ClinVar note: "not provided" was previously submitted as the classification for the variant. However, the classification appeared to be based only on an observation of functional data so it was converted to no classification on 2025-07-30.